The following is an entry in ClinVar:

NM_001122659.3(EDNRB):c.60C>T (p.Gly20=)

Gene: EDNRB (endothelin receptor type B; minus strand). Cytogenetic location: 13q22.3.
Variant type: single nucleotide variant.
Coding change: c.60C>T on transcript NM_001122659.3 (MANE Select); coding-DNA position 60, C replaced by T.
Protein change: p.Gly20=; no amino-acid change (glycine 20 retained).
Molecular consequence: synonymous variant.
Genome position (GRCh38, 1-based): chr13:77,918,514, G>A on the plus strand (C>T on the coding strand, the complement: EDNRB is on the minus strand). VCF-style: chr13-77918514-G-A. GRCh37 (hg19) VCF-style: chr13-78492649-G-A.
Other names: c.60C>T, p.Gly20= (NM_000115.5, NM_003991.4); c.330C>T, p.Gly110= (NM_001201397.2).
Identifiers: ClinVar variation 514259 (VCV000514259.4), dbSNP rs775363354, ClinGen allele CA7012402.

ClinVar aggregate classification (germline): Likely benign. Review status: criteria provided, multiple submitters, no conflicts (2 of 4 stars). 2 submissions from 2 submitters: Likely benign (2). Last evaluated 2025-05-06.

Allele frequency attached by ClinVar (database versions not stated): TOPMed 0.00001; gnomAD exomes 0.00002 and 0.00003; gnomAD 0.00003; ExAC 0.00004.
gnomAD v4.1: 28 of 1,581,736 alleles (0.0018%); highest among the groups gnomAD compares: Non-Finnish European, 0.0021%; no homozygotes.

Submissions (2):

Labcorp Genetics (formerly Invitae), Labcorp
Classification: Likely benign. Last evaluated: 2025-05-06. Review status: criteria provided, single submitter. Criteria: Invitae Variant Classification Sherloc (09022015). Collection method: clinical testing. Allele origin: germline.

GeneDx
Classification: Likely benign. Last evaluated: 2018-01-03. Review status: criteria provided, single submitter. Criteria: GeneDx Variant Classification (06012015). Collection method: clinical testing. Allele origin: germline. Affected: yes.
Comment: This variant is considered likely benign or benign based on one or more of the following criteria: it is a conservative change, it occurs at a poorly conserved position in the protein, it is predicted to be benign by multiple in silico algorithms, and/or has population frequency not consistent with disease.